The following is an entry in ClinVar:

ClinVar aggregate classification (germline): Uncertain significance. Review status: criteria provided, multiple submitters, no conflicts (2 of 4 stars). 4 submissions from 4 submitters: Uncertain significance (3). 1 of the submissions does not count toward it. Last evaluated 2025-12-24.

Conditions:
Congenital myasthenic syndrome 4A. Also called: Myasthenic syndrome, congenital, 4a, slow-channel; CONGENITAL MYASTHENIC SYNDROME TYPE Ia1; MYASTHENIC SYNDROME, CONGENITAL, 4A, SLOW-CHANNEL, AUTOSOMAL RECESSIVE. Identifiers: Orphanet 590, MedGen C4225413, MONDO:0011600, OMIM 605809.
Congenital myasthenic syndrome (CMS). Also called: Congenital Myasthenic Syndromes. Identifiers: Orphanet 590, MedGen C0751882, MeSH D020294, MONDO:0018940.

Allele frequency attached by ClinVar (database versions not stated): ExAC below 0.00001.
gnomAD v4.1: 65 of 1,534,614 alleles (0.0042%); highest among the groups gnomAD compares: Non-Finnish European, 0.0053%; no homozygotes.

Submissions (4):

Labcorp Genetics (formerly Invitae), Labcorp
Classification: Uncertain significance for Congenital myasthenic syndrome 4A. Last evaluated: 2025-12-24. Review status: criteria provided, single submitter. Criteria: Invitae Variant Classification Sherloc (09022015). Collection method: clinical testing. Allele origin: germline.
Comment: This sequence change replaces arginine, which is basic and polar, with leucine, which is neutral and non-polar, at codon 352 of the CHRNE protein (p.Arg352Leu). This variant is not present in population databases (gnomAD no frequency). This variant has not been reported in the literature in individuals affected with CHRNE-related conditions. ClinVar contains an entry for this variant (Variation ID: 578125). Invitae Evidence Modeling of protein sequence and biophysical properties (such as structural, functional, and spatial information, amino acid conservation, physicochemical variation, residue mobility, and thermodynamic stability) has been performed for this missense variant. However, the output from this modeling did not meet the statistical confidence thresholds required to predict the impact of this variant on CHRNE protein function. In summary, the available evidence is currently insufficient to determine the role of this variant in disease. Therefore, it has been classified as a Variant of Uncertain Significance.

Mayo Clinic Laboratories, Mayo Clinic
Classification: Uncertain significance. Last evaluated: 2024-03-05. Review status: criteria provided, single submitter. Criteria: ACMG Guidelines, 2015. Collection method: clinical testing. Allele origin: germline. Observed: 1 variant allele.

GeneDx
Classification: Uncertain significance. Last evaluated: 2020-07-17. Review status: criteria provided, single submitter. Criteria: GeneDx Variant Classification Process June 2021. Collection method: clinical testing. Allele origin: germline. Affected: yes.
Comment: Not observed in large population cohorts (Lek et al., 2016); In silico analysis supports that this missense variant has a deleterious effect on protein structure/function; Has not been previously published as pathogenic or benign to our knowledge

Natera, Inc.
Classification: Uncertain significance for Congenital myasthenic syndrome. Last evaluated: 2020-11-06. Review status: no assertion criteria provided. Collection method: clinical testing. Allele origin: germline. Not counted in ClinVar's aggregate classification.

NM_000080.4(CHRNE):c.1055G>T (p.Arg352Leu)

Genes: CHRNE (cholinergic receptor nicotinic epsilon subunit; minus strand), LOC130060041 (ATAC-STARR-seq lymphoblastoid silent region 8050; plus strand). Cytogenetic location: 17p13.2.
Variant type: single nucleotide variant.
Coding change: c.1055G>T on transcript NM_000080.4 (MANE Select); coding-DNA position 1055, G replaced by T.
Protein change: p.Arg352Leu; replaces arginine 352 with leucine.
Molecular consequence: missense variant.
Genome position (GRCh38, 1-based): chr17:4,899,362, C>A on the plus strand (G>T on the coding strand, the complement: CHRNE is on the minus strand). VCF-style: chr17-4899362-C-A. GRCh37 (hg19) VCF-style: chr17-4802657-C-A.
Other names: p.Arg352Leu; c.1055G>T, p.Arg352Leu (LRG_1254t1); short protein forms R352L.
Identifiers: ClinVar variation 578125 (VCV000578125.10), dbSNP rs764744220, ClinGen allele CA8314039.